The following is an entry in ClinVar:

ClinVar aggregate classification (germline): Uncertain significance (1 of 4 stars; one submission).

gnomAD v4.1: 5 of 1,613,774 alleles (0.00031%); highest among the groups gnomAD compares: Admixed American, 0.0033%; no homozygotes.

Submission:

Labcorp Genetics (formerly Invitae), Labcorp
Classification: Uncertain significance. Last evaluated: 2022-07-27. Review status: criteria provided, single submitter. Criteria: Invitae Variant Classification Sherloc (09022015). Collection method: clinical testing. Allele origin: germline.
Comment: This sequence change replaces arginine, which is basic and polar, with glycine, which is neutral and non-polar, at codon 419 of the OCA2 protein (p.Arg419Gly). This variant is present in population databases (no rsID available, gnomAD 0.006%). This variant has not been reported in the literature in individuals affected with OCA2-related conditions. Advanced modeling of protein sequence and biophysical properties (such as structural, functional, and spatial information, amino acid conservation, physicochemical variation, residue mobility, and thermodynamic stability) performed at Invitae indicates that this missense variant is not expected to disrupt OCA2 protein function. In summary, the available evidence is currently insufficient to determine the role of this variant in disease. Therefore, it has been classified as a Variant of Uncertain Significance.

NM_000275.3(OCA2):c.1255C>G (p.Arg419Gly)

Gene: OCA2 (OCA2 melanosomal transmembrane protein; minus strand). Cytogenetic location: 15q13.1.
Variant type: single nucleotide variant.
Coding change: c.1255C>G on transcript NM_000275.3 (MANE Select); coding-DNA position 1255, C replaced by G.
Protein change: p.Arg419Gly; replaces arginine 419 with glycine.
Molecular consequence: missense variant.
Genome position (GRCh38, 1-based): chr15:27,985,173, G>C on the plus strand (C>G on the coding strand, the complement: OCA2 is on the minus strand). VCF-style: chr15-27985173-G-C. GRCh37 (hg19) VCF-style: chr15-28230319-G-C.
Other names: c.1183C>G, p.Arg395Gly (NM_001300984.2); short protein forms R419G, R395G.
Identifiers: ClinVar variation 1928317 (VCV001928317.2), dbSNP rs143218168, ClinGen allele CA391360708.